The following is an entry in ClinVar:

NM_152328.5(ADSS1):c.1226G>A (p.Trp409Ter)

Gene: ADSS1 (adenylosuccinate synthase 1; plus strand). Cytogenetic location: 14q32.33.
Variant type: single nucleotide variant.
Coding change: c.1226G>A on transcript NM_152328.5 (MANE Select); coding-DNA position 1226, G replaced by A.
Protein change: p.Trp409Ter; replaces tryptophan 409 with a stop codon.
Molecular consequence: nonsense.
Genome position (GRCh38, 1-based): chr14:104,746,290, G>A. VCF-style: chr14-104746290-G-A. GRCh37 (hg19) VCF-style: chr14-105212627-G-A.
Other names: c.611G>A, p.Trp204Ter (NM_001320424.1); c.1355G>A, p.Trp452Ter (NM_199165.2); short protein forms W204*, W409*, W452*.
Identifiers: ClinVar variation 2720549 (VCV002720549.3), dbSNP rs2542049491, ClinGen allele CA391244875.

ClinVar aggregate classification (germline): Pathogenic (1 of 4 stars; one submission).

Allele frequency attached by ClinVar (database versions not stated): gnomAD exomes below 0.00001.
gnomAD v4.1: 3 of 1,613,796 alleles (0.00019%); highest among the groups gnomAD compares: Non-Finnish European, 0.00017%; no homozygotes.

Submission:

Labcorp Genetics (formerly Invitae), Labcorp
Classification: Pathogenic. Last evaluated: 2023-10-22. Review status: criteria provided, single submitter. Criteria: Invitae Variant Classification Sherloc (09022015). Collection method: clinical testing. Allele origin: germline.
Comment: This sequence change creates a premature translational stop signal (p.Trp452*) in the ADSSL1 gene. It is expected to result in an absent or disrupted protein product. Loss-of-function variants in ADSSL1 are known to be pathogenic (PMID: 26506222). This variant is not present in population databases (gnomAD no frequency). This variant has not been reported in the literature in individuals affected with ADSSL1-related conditions. For these reasons, this variant has been classified as Pathogenic.

Literature cited by the submitters: PubMed 26506222.